The following is an entry in ClinVar:

NM_000179.3(MSH6):c.1241G>T (p.Trp414Leu)

Gene: MSH6 (mutS homolog 6; plus strand). Cytogenetic location: 2p16.3.
Variant type: single nucleotide variant.
Coding change: c.1241G>T on transcript NM_000179.3 (MANE Select); coding-DNA position 1241, G replaced by T.
Protein change: p.Trp414Leu; replaces tryptophan 414 with leucine.
Molecular consequence: missense variant.
Genome position (GRCh38, 1-based): chr2:47,799,224, G>T. VCF-style: chr2-47799224-G-T. GRCh37 (hg19) VCF-style: chr2-48026363-G-T.
Other names: c.851G>T, p.Trp284Leu (NM_001281492.2); c.335G>T, p.Trp112Leu (NM_001281493.2, NM_001281494.2); short protein forms W112L, W414L, W284L.
Identifiers: ClinVar variation 650269 (VCV000650269.13), dbSNP rs587779914, ClinGen allele CA346743751.
Genomic context (GRCh38, chr2:47,799,224, plus strand): 5'-CTACACTCTATGTGCCTGAGGATTTCCTCAATTCTTGTACTCCTGGGATGAGGAAGTGGT[G>T]GCAGATTAAGTCTCAGAACTTTGATCTTGTCATCTGTTACAAGGTGGGGAAATTTTATGA-3'
Protein context (NP_000170.1, residues 404-424): NSCTPGMRKW[Trp414Leu]QIKSQNFDLV

ClinVar aggregate classification (germline): Conflicting classifications of pathogenicity. Review status: criteria provided, conflicting classifications (1 of 4 stars). 3 submissions from 3 submitters: Likely pathogenic (1); Uncertain significance (2). Last evaluated 2026-02-04.

Conditions:
Inherited MMR deficiency (Lynch syndrome).
Hereditary nonpolyposis colorectal neoplasms. Identifiers: MedGen C0009405, MeSH D003123.
Hereditary cancer-predisposing syndrome. Also called: Tumor predisposition; Hereditary Cancer Syndrome; Hereditary neoplastic syndrome; Neoplastic Syndromes, Hereditary. Identifiers: Orphanet 140162, MedGen C0027672, MeSH D009386, MONDO:0015356.

Submissions (3):

Cambridge Genomics Laboratory, East Genomic Laboratory Hub, NHS Genomic Medicine Service
Classification: Uncertain significance for Inherited MMR deficiency (Lynch syndrome). Last evaluated: 2026-02-04. Review status: criteria provided, single submitter. Criteria: ACGS Best Practice Guidelines for Variant Classification in Rare Disease 2020. Collection method: clinical testing. Allele origin: germline. Affected: yes.
Comment: PM2_Supporting,PP3_Moderate

Ambry Genetics
Classification: Uncertain significance for Hereditary cancer-predisposing syndrome. Last evaluated: 2026-01-26. Review status: criteria provided, single submitter. Criteria: Ambry Variant Classification Scheme 2023. Collection method: clinical testing. Allele origin: germline.
Comment: The p.W414L variant (also known as c.1241G>T), located in coding exon 4 of the MSH6 gene, results from a G to T substitution at nucleotide position 1241. The tryptophan at codon 414 is replaced by leucine, an amino acid with similar properties. This variant was reported in individual(s) with features consistent with MSH6-related Lynch syndrome (External Communication). This amino acid position is highly conserved in available vertebrate species. In addition, this alteration is predicted to be deleterious by in silico analysis. Based on the available evidence, the clinical significance of this variant remains unclear.

Labcorp Genetics (formerly Invitae), Labcorp
Classification: Likely pathogenic for Hereditary nonpolyposis colorectal neoplasms. Last evaluated: 2024-11-11. Review status: criteria provided, single submitter. Criteria: Invitae Variant Classification Sherloc (09022015). Collection method: clinical testing. Allele origin: germline.
Comment: This sequence change replaces tryptophan, which is neutral and slightly polar, with leucine, which is neutral and non-polar, at codon 414 of the MSH6 protein (p.Trp414Leu). This variant is not present in population databases (gnomAD no frequency). This missense change has been observed in individual(s) with clinical features of Lynch syndrome (internal data). It has also been observed to segregate with disease in related individuals. ClinVar contains an entry for this variant (Variation ID: 650269). Invitae Evidence Modeling incorporating data from in vitro experimental studies (internal data) indicates that this missense variant is expected to disrupt MSH6 function with a positive predictive value of 95%. In summary, the currently available evidence indicates that the variant is pathogenic, but additional data are needed to prove that conclusively. Therefore, this variant has been classified as Likely Pathogenic.